The following is an entry in ClinVar:

NM_002693.3(POLG):c.1688C>T (p.Pro563Leu)

Gene: POLG (DNA polymerase gamma, catalytic subunit; minus strand). Cytogenetic location: 15q26.1.
Variant type: single nucleotide variant.
Coding change: c.1688C>T on transcript NM_002693.3 (MANE Select); coding-DNA position 1688, C replaced by T.
Protein change: p.Pro563Leu; replaces proline 563 with leucine.
Molecular consequence: missense variant.
Genome position (GRCh38, 1-based): chr15:89,326,636, G>A on the plus strand (C>T on the coding strand, the complement: POLG is on the minus strand). VCF-style: chr15-89326636-G-A. GRCh37 (hg19) VCF-style: chr15-89869867-G-A.
Other names: p.Pro563Leu; c.1688C>T, p.Pro563Leu (NM_001126131.2); short protein forms P563L.
Identifiers: ClinVar variation 2073707 (VCV002073707.5), dbSNP rs1413463963, ClinGen allele CA393760468.

ClinVar aggregate classification (germline): Uncertain significance. Review status: criteria provided, multiple submitters, no conflicts (2 of 4 stars). 2 submissions from 2 submitters: Uncertain significance (2). Last evaluated 2025-10-17.

Conditions:
Progressive sclerosing poliodystrophy (MTDPS4A). Also called: Mitochondrial DNA Depletion Syndrome 4A; Alpers-Huttenlocher Syndrome (AHS); ALPERS PROGRESSIVE INFANTILE POLIODYSTROPHY; NEURONAL DEGENERATION OF CHILDHOOD WITH LIVER DISEASE, PROGRESSIVE; Alpers Syndrome; ALPERS DIFFUSE DEGENERATION OF CEREBRAL GRAY MATTER WITH HEPATIC CIRRHOSIS. Identifiers: Orphanet 726, MedGen C0205710, MONDO:0008758, OMIM 203700.

Allele frequency attached by ClinVar (database versions not stated): TOPMed below 0.00001; gnomAD 0.00001; gnomAD exomes below 0.00001.
gnomAD v4.1: 4 of 1,613,848 alleles (0.00025%); highest among the groups gnomAD compares: Non-Finnish European, 0.00025%; no homozygotes.

Submissions (2):

Mayo Clinic Laboratories, Mayo Clinic
Classification: Uncertain significance. Last evaluated: 2025-10-17. Review status: criteria provided, single submitter. Criteria: ACMG Guidelines, 2015. Collection method: clinical testing. Allele origin: germline. Observed: 1 variant allele.
Comment: BP4_moderate

Labcorp Genetics (formerly Invitae), Labcorp
Classification: Uncertain significance for Progressive sclerosing poliodystrophy. Last evaluated: 2023-08-10. Review status: criteria provided, single submitter. Criteria: Invitae Variant Classification Sherloc (09022015). Collection method: clinical testing. Allele origin: germline.
Comment: This variant has not been reported in the literature in individuals affected with POLG-related conditions. ClinVar contains an entry for this variant (Variation ID: 2073707). Advanced modeling of protein sequence and biophysical properties (such as structural, functional, and spatial information, amino acid conservation, physicochemical variation, residue mobility, and thermodynamic stability) performed at Invitae indicates that this missense variant is not expected to disrupt POLG protein function. In summary, the available evidence is currently insufficient to determine the role of this variant in disease. Therefore, it has been classified as a Variant of Uncertain Significance. This variant is present in population databases (no rsID available, gnomAD 0.0009%). This sequence change replaces proline, which is neutral and non-polar, with leucine, which is neutral and non-polar, at codon 563 of the POLG protein (p.Pro563Leu).